The following is an entry in ClinVar:

NM_000038.6(APC):c.4430A>G (p.Gln1477Arg)

Gene: APC (APC regulator of Wnt signaling pathway; plus strand). Cytogenetic location: 5q22.2.
Variant type: single nucleotide variant.
Coding change: c.4430A>G on transcript NM_000038.6 (MANE Select); coding-DNA position 4430, A replaced by G.
Protein change: p.Gln1477Arg; replaces glutamine 1477 with arginine.
Molecular consequence: missense variant.
Genome position (GRCh38, 1-based): chr5:112,840,024, A>G. VCF-style: chr5-112840024-A-G. GRCh37 (hg19) VCF-style: chr5-112175721-A-G.
Other names: c.4430A>G, p.Gln1477Arg (NM_001127510.3, NM_001354895.2); c.4376A>G, p.Gln1459Arg (NM_001127511.3); c.4484A>G, p.Gln1495Arg (NM_001354896.2); c.4460A>G, p.Gln1487Arg (NM_001354897.2); c.4355A>G, p.Gln1452Arg (NM_001354898.2); c.4346A>G, p.Gln1449Arg (NM_001354899.2); c.4307A>G, p.Gln1436Arg (NM_001354900.2); c.4253A>G, p.Gln1418Arg (NM_001354901.2); and 5 more; short protein forms Q1487R, Q1351R, Q1376R, Q1459R, Q1194R, Q1418R, Q1436R, Q1449R.
Identifiers: ClinVar variation 1392042 (VCV001392042.15), dbSNP rs1479009365, ClinGen allele CA16031029.

ClinVar aggregate classification (germline): Uncertain significance. Review status: criteria provided, multiple submitters, no conflicts (2 of 4 stars). 5 submissions from 5 submitters: Uncertain significance (5). Last evaluated 2025-09-27.

Conditions:
Hereditary cancer-predisposing syndrome. Also called: Tumor predisposition; Hereditary Cancer Syndrome; Hereditary neoplastic syndrome; Neoplastic Syndromes, Hereditary. Identifiers: Orphanet 140162, MedGen C0027672, MeSH D009386, MONDO:0015356.
Gastric cancer. Also called: Stomach cancer; Malignant tumor of stomach. Identifiers: MedGen C0024623, MeSH D013274, MONDO:0001056, OMIM 613659, HP:0012126.
Colorectal cancer. Also called: Colorectal cancer, somatic; Malignant Colorectal Neoplasm. Identifiers: MedGen C0346629, MONDO:0005575, OMIM 114500.
Hepatocellular carcinoma (HCC). Also called: Primary carcinoma of liver; HEPATOMA; LIVER CELL CARCINOMA. Identifiers: Orphanet 88673, MedGen C2239176, MONDO:0007256, OMIM 114550, HP:0001402.
Gastric adenocarcinoma and proximal polyposis of the stomach (GAPPS). Also called: Gastric Adenocarcinoma and Proximal Polyposis of the Stomach (GAPPS); Polyposis, gastric, Dos Santos and de Magalhaes 1980; POLYPOSIS, GASTRIC. Identifiers: Orphanet 314022, MedGen C4749917, MONDO:0017790, OMIM 619182.
Desmoid disease, hereditary (DESMD). Also called: FIBROMATOSIS, FAMILIAL INFILTRATIVE. Identifiers: Orphanet 873, MedGen C1851124, OMIM 135290. Disease mechanism: loss of function.
Familial adenomatous polyposis 1 (FAP1). Also called: FAMILIAL ADENOMATOUS POLYPOSIS 1, ATTENUATED; POLYPOSIS, ADENOMATOUS INTESTINAL. Identifiers: MedGen C2713442, MONDO:0021056, OMIM 175100. Disease mechanism: loss of function.

Allele frequency attached by ClinVar (database versions not stated): gnomAD exomes 0.00001.
gnomAD v4.1: 5 of 1,614,178 alleles (0.00031%); highest among the groups gnomAD compares: Admixed American, 0.0083%; no homozygotes.

Submissions (5):

Labcorp Genetics (formerly Invitae), Labcorp
Classification: Uncertain significance for Familial adenomatous polyposis 1. Last evaluated: 2025-09-27. Review status: criteria provided, single submitter. Criteria: Invitae Variant Classification Sherloc (09022015). Collection method: clinical testing. Allele origin: germline.
Comment: This sequence change replaces glutamine, which is neutral and polar, with arginine, which is basic and polar, at codon 1477 of the APC protein (p.Gln1477Arg). This variant is present in population databases (no rsID available, gnomAD 0.006%). This variant has not been reported in the literature in individuals affected with APC-related conditions. ClinVar contains an entry for this variant (Variation ID: 1392042). Invitae Evidence Modeling of protein sequence and biophysical properties (such as structural, functional, and spatial information, amino acid conservation, physicochemical variation, residue mobility, and thermodynamic stability) indicates that this missense variant is not expected to disrupt APC protein function with a negative predictive value of 95%. In summary, the available evidence is currently insufficient to determine the role of this variant in disease. Therefore, it has been classified as a Variant of Uncertain Significance.

Color Diagnostics, LLC DBA Color Health
Classification: Uncertain significance for Hereditary cancer-predisposing syndrome. Last evaluated: 2025-03-24. Review status: criteria provided, single submitter. Criteria: ACMG Guidelines, 2015. Collection method: clinical testing. Allele origin: germline.
Comment: This missense variant replaces glutamine with arginine at codon 1477 of the APC protein. Computational prediction suggests that this variant may not impact protein structure and function (internally defined REVEL score threshold <= 0.5, PMID: 27666373). To our knowledge, functional studies have not been reported for this variant. This variant has not been reported in individuals affected with APC-related disorders in the literature. This variant has been identified in 2/251074 chromosomes in the general population by the Genome Aggregation Database (gnomAD). The available evidence is insufficient to determine the role of this variant in disease conclusively. Therefore, this variant is classified as a Variant of Uncertain Significance.

Ambry Genetics
Classification: Uncertain significance for Hereditary cancer-predisposing syndrome. Last evaluated: 2025-03-14. Review status: criteria provided, single submitter. Criteria: Ambry Variant Classification Scheme 2023. Collection method: clinical testing. Allele origin: germline.
Comment: The p.Q1477R variant (also known as c.4430A>G), located in coding exon 15 of the APC gene, results from an A to G substitution at nucleotide position 4430. The glutamine at codon 1477 is replaced by arginine, an amino acid with highly similar properties. Missense alterations in APC are not a common cause of disease (Spier I et al. Genet Med. 2024 Feb;26(2):100992). This amino acid position is well conserved in available vertebrate species. In addition, in silico predictors for this gene do not accurately predict pathogenicity. Since supporting evidence is limited at this time, the clinical significance of this alteration remains unclear.

Baylor Genetics
Classification: Uncertain significance for Familial adenomatous polyposis 1. Last evaluated: 2024-02-09. Review status: criteria provided, single submitter. Criteria: ACMG Guidelines, 2015. Collection method: clinical testing. Allele origin: unknown.

Fulgent Genetics
Classification: Uncertain significance for Colorectal cancer; Hepatocellular carcinoma; Desmoid disease, hereditary; Familial adenomatous polyposis 1; Gastric cancer; Gastric adenocarcinoma and proximal polyposis of the stomach. Last evaluated: 2021-12-28. Review status: criteria provided, single submitter. Criteria: ACMG Guidelines, 2015. Collection method: clinical testing. Allele origin: unknown.